The following is an entry in ClinVar:

ClinVar aggregate classification (germline): Likely pathogenic (1 of 4 stars; one submission).

Conditions:
Glycogen storage disease type III (GSD3). Also called: FORBES DISEASE; Cori disease. Identifiers: Orphanet 366, MedGen C0017922, MONDO:0009291, OMIM 232400.

Submission:

Myriad Genetics, Inc.
Classification: Likely pathogenic for Glycogen storage disease type III. Last evaluated: 2022-01-24. Review status: criteria provided, single submitter. Criteria: Myriad Women's Health Autosomal Recessive and X-Linked Classification Criteria (2021). Collection method: clinical testing. Allele origin: unknown.
Comment: NM_000642.2(AGL):c.1727T>A(L576*) is expected to be pathogenic in the context of glycogen storage disease type III. This variant is predicted to lead to an abnormal or absent protein product due to the creation of a premature termination codon in AGL, a gene where loss-of-function variants are known to be pathogenic. Please note: this variant was assessed in the context of healthy population screening.

NM_000642.3(AGL):c.1727T>A (p.Leu576Ter)

Gene: AGL (amylo-alpha-1,6-glucosidase and 4-alpha-glucanotransferase; plus strand). Cytogenetic location: 1p21.2.
Variant type: single nucleotide variant.
Coding change: c.1727T>A on transcript NM_000642.3 (MANE Select); coding-DNA position 1727, T replaced by A.
Protein change: p.Leu576Ter; replaces leucine 576 with a stop codon.
Molecular consequence: nonsense.
Genome position (GRCh38, 1-based): chr1:99,880,038, T>A. VCF-style: chr1-99880038-T-A. GRCh37 (hg19) VCF-style: chr1-100345594-T-A.
Other names: c.1727T>A, p.Leu576Ter (NM_000028.3, NM_000643.3, NM_000644.3 and 2 more transcripts); c.1679T>A, p.Leu560Ter (NM_000646.3); c.1526T>A, p.Leu509Ter (NM_001425327.1); c.1523T>A, p.Leu508Ter (NM_001425328.1, NM_001425329.1); c.1349T>A, p.Leu450Ter (NM_001425332.1); short protein forms L560*, L576*, L450*, L508*, L509*.
Identifiers: ClinVar variation 1723900 (VCV001723900.2), dbSNP rs1651881949, ClinGen allele CA341315962.